The following is an entry in ClinVar:

ClinVar aggregate classification (germline): Benign/Likely benign. Review status: criteria provided, multiple submitters, no conflicts (2 of 4 stars). 9 submissions from 6 submitters: Benign (6); Likely benign (3). Last evaluated 2026-05-12.

Conditions:
Protoporphyria, erythropoietic, 1 (EPP1). Also called: Erythropoietic Protoporphyria, Autosomal Recessive; FERROCHELATASE DEFICIENCY; HEME SYNTHETASE DEFICIENCY. Identifiers: Orphanet 79278, MedGen C4692546, MONDO:0008319, OMIM 177000.
Acute intermittent porphyria (AIP). Also called: HMBS deficiency; Hydroxymethylbilane Synthase Deficiency; PBGD DEFICIENCY; PORPHOBILINOGEN DEAMINASE DEFICIENCY; PORPHYRIA, SWEDISH TYPE; UPS DEFICIENCY. Identifiers: Orphanet 79276, MedGen C0162565, MONDO:0008294, OMIM 176000.
ABCB6-related disorder. Also called: ABCB6-related condition.
Hereditary coproporphyria (HCP). Also called: Hereditary coproporphyria porphyria; Porphyria hepatica coproporphyria; Porphyria hepatica II; CPRO deficiency; COPROPORPHYRINOGEN OXIDASE DEFICIENCY; CPO DEFICIENCY. Identifiers: Orphanet 79273, MedGen C0162531, MONDO:0007369, OMIM 121300.
Variegate porphyria (VP). Also called: PORPHYRIA, SOUTH AFRICAN TYPE; PROTOPORPHYRINOGEN OXIDASE DEFICIENCY; PPOX DEFICIENCY. Identifiers: Orphanet 79473, MedGen C0162532, MONDO:0008297, OMIM 176200.

Allele frequency attached by ClinVar (database versions not stated): 1000 Genomes Project 0.00300; gnomAD 0.00672 and 0.00642; ExAC 0.00716; gnomAD exomes 0.00828 and 0.00702; 1000 Genomes Project 30x 0.00281; ESP Exome Variant Server 0.00654; TOPMed 0.00662.

Submissions (9):

PreventionGenetics, part of Exact Sciences
Classification: Likely benign for ABCB6-related condition. Last evaluated: 2026-05-12. Review status: criteria provided, single submitter. Criteria: ACMG Guidelines, 2015. Collection method: clinical testing. Allele origin: germline.
Comment: This variant is classified as likely benign based on ACMG/AMP sequence variant interpretation guidelines (Richards et al. 2015 PMID: 25741868, with internal and published modifications).

CeGaT Center for Human Genetics Tuebingen
Classification: Benign. Last evaluated: 2026-02-01. Review status: criteria provided, single submitter. Criteria: CeGaT Center For Human Genetics Tuebingen Variant Classification Criteria Version 2. Collection method: clinical testing. Allele origin: germline. Affected: yes. Observed: 7 variant alleles.
Comment: ABCB6: BS1, BS2

Labcorp Genetics (formerly Invitae), Labcorp
Classification: Benign. Last evaluated: 2026-01-28. Review status: criteria provided, single submitter. Criteria: Invitae Variant Classification Sherloc (09022015). Collection method: clinical testing. Allele origin: germline.

Phillips Lab,  Hematology, University of Utah
Classification: Benign for Acute intermittent porphyria. Last evaluated: 2021-08-16. Review status: criteria provided, single submitter. Criteria: Submitter’s Publication. Collection method: clinical testing. Allele origin: unknown. Affected: yes.

Phillips Lab,  Hematology, University of Utah
Classification: Benign for Variegate porphyria. Last evaluated: 2021-08-16. Review status: criteria provided, single submitter. Criteria: Submitter’s Publication. Collection method: clinical testing. Allele origin: unknown. Affected: yes.

Phillips Lab,  Hematology, University of Utah
Classification: Benign for Hereditary coproporphyria. Last evaluated: 2021-08-16. Review status: criteria provided, single submitter. Criteria: Submitter’s Publication. Collection method: clinical testing. Allele origin: unknown. Affected: yes.

Phillips Lab,  Hematology, University of Utah
Classification: Benign for Protoporphyria, erythropoietic, 1. Last evaluated: 2021-08-16. Review status: criteria provided, single submitter. Criteria: Submitter’s Publication. Collection method: clinical testing. Allele origin: unknown. Affected: yes.

GeneDx
Classification: Likely benign. Last evaluated: 2019-07-30. Review status: criteria provided, single submitter. Criteria: GeneDx Variant Classification Process June 2021. Collection method: clinical testing. Allele origin: germline. Affected: yes.
Comment: See Variant Classification Assertion Criteria.

Breakthrough Genomics
Classification: Likely benign. Review status: criteria provided, single submitter. Criteria: ACMG Guidelines, 2015. Collection method: not provided. Allele origin: germline. Inheritance: Autosomal dominant inheritance. Affected: yes.

NM_005689.4(ABCB6):c.1474G>A (p.Ala492Thr)

Gene: ABCB6 (ATP binding cassette subfamily B member 6 (LAN blood group); minus strand). Cytogenetic location: 2q35.
Variant type: single nucleotide variant.
Coding change: c.1474G>A on transcript NM_005689.4 (MANE Select); coding-DNA position 1474, G replaced by A.
Protein change: p.Ala492Thr; replaces alanine 492 with threonine.
Molecular consequence: missense variant.
Genome position (GRCh38, 1-based): chr2:219,213,930, C>T on the plus strand (G>A on the coding strand, the complement: ABCB6 is on the minus strand). VCF-style: chr2-219213930-C-T. GRCh37 (hg19) VCF-style: chr2-220078652-C-T.
Other names: c.1336G>A, p.Ala446Thr (NM_001349828.2); c.1474G>A (NM_005689.2); short protein forms A446T, A492T.
Identifiers: ClinVar variation 1301996 (VCV001301996.36), dbSNP rs147445258, ClinGen allele CA2119370.